The following is an entry in ClinVar:

NM_139027.6(ADAMTS13):c.1298G>A (p.Cys433Tyr)

Gene: ADAMTS13 (ADAM metallopeptidase with thrombospondin type 1 motif 13; plus strand). Cytogenetic location: 9q34.2.
Variant type: single nucleotide variant.
Coding change: c.1298G>A on transcript NM_139027.6 (MANE Select); coding-DNA position 1298, G replaced by A.
Protein change: p.Cys433Tyr; replaces cysteine 433 with tyrosine.
Molecular consequence: missense variant.
Genome position (GRCh38, 1-based): chr9:133,433,694, G>A. VCF-style: chr9-133433694-G-A. GRCh37 (hg19) VCF-style: chr9-136298814-G-A.
Other names: c.1298G>A, p.Cys433Tyr (NM_139025.5); c.1205G>A, p.Cys402Tyr (NM_139026.6); short protein forms C402Y, C433Y.
Identifiers: ClinVar variation 2017363 (VCV002017363.4), dbSNP rs2491167740, ClinGen allele CA375390124.

ClinVar aggregate classification (germline): Uncertain significance (1 of 4 stars; one submission).

Allele frequency attached by ClinVar (database versions not stated): gnomAD exomes below 0.00001.

Submission:

Labcorp Genetics (formerly Invitae), Labcorp
Classification: Uncertain significance. Last evaluated: 2022-07-15. Review status: criteria provided, single submitter. Criteria: Invitae Variant Classification Sherloc (09022015). Collection method: clinical testing. Allele origin: germline.
Comment: In summary, the available evidence is currently insufficient to determine the role of this variant in disease. Therefore, it has been classified as a Variant of Uncertain Significance. This variant disrupts the p.Cys433 amino acid residue in ADAMTS13. Other variant(s) that disrupt this residue have been observed in individuals with ADAMTS13-related conditions (PMID: 26085195, 26822222), which suggests that this may be a clinically significant amino acid residue. This sequence change replaces cysteine, which is neutral and slightly polar, with tyrosine, which is neutral and polar, at codon 433 of the ADAMTS13 protein (p.Cys433Tyr). This variant is not present in population databases (gnomAD no frequency). This variant has not been reported in the literature in individuals affected with ADAMTS13-related conditions. Algorithms developed to predict the effect of missense changes on protein structure and function (SIFT, PolyPhen-2, Align-GVGD) all suggest that this variant is likely to be disruptive.

Literature cited by the submitters: PubMed 26085195; PubMed 26822222.